The following is an entry in ClinVar:

ClinVar aggregate classification (germline): Likely benign (0 of 4 stars; one submission).

Conditions:
FGF5-related disorder. Also called: FGF5-related condition.

Allele frequency attached by ClinVar (database versions not stated): TOPMed below 0.00001.
gnomAD v4.1: 11 of 1,614,048 alleles (0.00068%); highest among the groups gnomAD compares: South Asian, 0.0088%; no homozygotes.

Submission:

PreventionGenetics, part of Exact Sciences
Classification: Likely benign for FGF5-related condition. Last evaluated: 2019-02-21. Review status: no assertion criteria provided. Collection method: clinical testing. Allele origin: germline.
Comment: This variant is classified as likely benign based on ACMG/AMP sequence variant interpretation guidelines (Richards et al. 2015 PMID: 25741868, with internal and published modifications).

NM_004464.4(FGF5):c.84C>T (p.Pro28=)

Gene: FGF5 (fibroblast growth factor 5; plus strand). Cytogenetic location: 4q21.21.
Variant type: single nucleotide variant.
Coding change: c.84C>T on transcript NM_004464.4 (MANE Select); coding-DNA position 84, C replaced by T.
Protein change: p.Pro28=; no amino-acid change (proline 28 retained).
Molecular consequence: synonymous variant.
Genome position (GRCh38, 1-based): chr4:80,266,908, C>T. VCF-style: chr4-80266908-C-T. GRCh37 (hg19) VCF-style: chr4-81188062-C-T.
Other names: c.84C>T, p.Pro28= (NM_033143.2).
Identifiers: ClinVar variation 3046438 (VCV003046438.2), dbSNP rs1028201656, ClinGen allele CA440227326.